The following is an entry in ClinVar:

ClinVar aggregate classification (germline): Uncertain significance (1 of 4 stars; one submission).

Allele frequency attached by ClinVar (database versions not stated): TOPMed below 0.00001; ExAC 0.00001; gnomAD 0.00001; gnomAD exomes 0.00001.
gnomAD v4.1: 16 of 1,610,846 alleles (0.00099%); highest among the groups gnomAD compares: Middle Eastern, 0.016%; no homozygotes.

Submission:

Labcorp Genetics (formerly Invitae), Labcorp
Classification: Uncertain significance. Last evaluated: 2022-07-26. Review status: criteria provided, single submitter. Criteria: Invitae Variant Classification Sherloc (09022015). Collection method: clinical testing. Allele origin: germline.
Comment: This sequence change replaces isoleucine, which is neutral and non-polar, with threonine, which is neutral and polar, at codon 1619 of the PCLO protein (p.Ile1619Thr). This variant is present in population databases (rs756874950, gnomAD 0.01%). This variant has not been reported in the literature in individuals affected with PCLO-related conditions. ClinVar contains an entry for this variant (Variation ID: 1427687). Algorithms developed to predict the effect of missense changes on protein structure and function are either unavailable or do not agree on the potential impact of this missense change (SIFT: "Deleterious"; PolyPhen-2: "Not Available"; Align-GVGD: "Class C0"). In summary, the available evidence is currently insufficient to determine the role of this variant in disease. Therefore, it has been classified as a Variant of Uncertain Significance.

NM_033026.6(PCLO):c.4856T>C (p.Ile1619Thr)

Gene: PCLO (piccolo presynaptic cytomatrix protein; minus strand). Cytogenetic location: 7q21.11.
Variant type: single nucleotide variant.
Coding change: c.4856T>C on transcript NM_033026.6 (MANE Select); coding-DNA position 4856, T replaced by C.
Protein change: p.Ile1619Thr; replaces isoleucine 1619 with threonine.
Molecular consequence: missense variant.
Genome position (GRCh38, 1-based): chr7:82,956,097, A>G on the plus strand (T>C on the coding strand, the complement: PCLO is on the minus strand). VCF-style: chr7-82956097-A-G. GRCh37 (hg19) VCF-style: chr7-82585413-A-G.
Other names: c.4856T>C, p.Ile1619Thr (NM_014510.3); short protein forms I1619T.
Identifiers: ClinVar variation 1427687 (VCV001427687.3), dbSNP rs756874950, ClinGen allele CA4320749.